The following is an entry in ClinVar:

NM_001374828.1(ARID1B):c.3985G>A (p.Val1329Ile)

Gene: ARID1B (AT-rich interaction domain 1B; plus strand). Cytogenetic location: 6q25.3.
Variant type: single nucleotide variant.
Coding change: c.3985G>A on transcript NM_001374828.1 (MANE Select); coding-DNA position 3985, G replaced by A.
Protein change: p.Val1329Ile; replaces valine 1329 with isoleucine.
Molecular consequence: missense variant.
Genome position (GRCh38, 1-based): chr6:157,189,707, G>A. VCF-style: chr6-157189707-G-A. GRCh37 (hg19) VCF-style: chr6-157510841-G-A.
Other names: c.3736G>A, p.Val1246Ile (NM_001346813.1); c.1486G>A, p.Val496Ile (NM_001363725.2); c.3865G>A, p.Val1289Ile (NM_001371656.1, NM_001374820.1); c.3826G>A, p.Val1276Ile (NM_017519.3); c.3616G>A, p.Val1206Ile (NM_020732.3); c.3403G>A, p.Val1135Ile (NM_175863.2); short protein forms V1135I, V1206I, V1246I, V1276I, V1289I, V1329I, V496I.
Identifiers: ClinVar variation 2657065 (VCV002657065.24), dbSNP rs781326777, ClinGen allele CA366234132.
Genomic context (GRCh38, chr6:157,189,707, plus strand): 5'-TCGGGATCCTTGCAAGGCCCACAGACCCCCCAGTCAACTGGCAGCAATTCCATGGCAGAG[G>A]TTCCAGGTGACCTGAAGCCACCTACCCCAGCCTCCACCCCTCACGGCCAGATGACTCCAA-3'
Protein context (NP_001361757.1, residues 1319-1339): QSTGSNSMAE[Val1329Ile]PGDLKPPTPA

ClinVar aggregate classification (germline): Uncertain significance (1 of 4 stars; one submission).

gnomAD v4.1: 1 of 1,614,036 alleles (0.000062%); highest among the groups gnomAD compares: Middle Eastern, 0.016%; no homozygotes.

Submission:

CeGaT Center for Human Genetics Tuebingen
Classification: Uncertain significance. Last evaluated: 2022-10-01. Review status: criteria provided, single submitter. Criteria: CeGaT Center For Human Genetics Tuebingen Variant Classification Criteria Version 2. Collection method: clinical testing. Allele origin: germline. Affected: yes. Observed: 1 variant allele.
Comment: ARID1B: PM2, BP4